The following is an entry in ClinVar:

ClinVar aggregate classification (germline): Uncertain significance (1 of 4 stars; one submission).

Conditions:
Hereditary cancer-predisposing syndrome. Also called: Neoplastic Syndromes, Hereditary; Tumor predisposition; Hereditary neoplastic syndrome; Hereditary Cancer Syndrome. Identifiers: Orphanet 140162, MedGen C0027672, MeSH D009386, MONDO:0015356.

Submission:

Ambry Genetics
Classification: Uncertain significance for Hereditary cancer-predisposing syndrome. Last evaluated: 2023-11-03. Review status: criteria provided, single submitter. Criteria: Ambry Variant Classification Scheme 2023. Collection method: clinical testing. Allele origin: germline.
Comment: The p.A20T variant (also known as c.58G>A), located in coding exon 1 of the MSH6 gene, results from a G to A substitution at nucleotide position 58. The alanine at codon 20 is replaced by threonine, an amino acid with similar properties. This amino acid position is conserved. In addition, this alteration is predicted to be tolerated by in silico analysis. Since supporting evidence is limited at this time, the clinical significance of this alteration remains unclear.

NM_000179.3(MSH6):c.58G>A (p.Ala20Thr)

Gene: MSH6 (mutS homolog 6; plus strand). Cytogenetic location: 2p16.3.
Variant type: single nucleotide variant.
Coding change: c.58G>A on transcript NM_000179.3 (MANE Select); coding-DNA position 58, G replaced by A.
Protein change: p.Ala20Thr; replaces alanine 20 with threonine.
Molecular consequence: missense variant. On other transcripts: 5 prime UTR variant (7), initiator codon variant (1), non-coding transcript variant (5), intron variant (5).
Genome position (GRCh38, 1-based): chr2:47,783,291, G>A. VCF-style: chr2-47783291-G-A. GRCh37 (hg19) VCF-style: chr2-48010430-G-A.
Other names: c.58G>A, p.Ala20Thr (NM_001281492.2, NM_001406795.1, NM_001406796.1 and 9 more transcripts); c.-679G>A (NM_001281493.2, NM_001406811.1); c.-271G>A (NM_001406799.1); c.3G>A, p.Met1Ile (NM_001406804.1); c.-871G>A (NM_001406807.1); c.-526G>A (NM_001406812.1); c.-937G>A (NM_001406814.1); c.-482G>A (NM_001406816.1); and 3 more; short protein forms A20T, M1I.
Identifiers: ClinVar variation 3230584 (VCV003230584.1), dbSNP rs1439274983, ClinGen allele CA346734564.
Genomic context (GRCh38, chr2:47,783,291, plus strand): 5'-GGTATGTCGCGACAGAGCACCCTGTACAGCTTCTTCCCCAAGTCTCCGGCGCTGAGTGAT[G>A]CCAACAAGGCCTCGGCCAGGGCCTCACGCGAAGGCGGCCGTGCCGCCGCTGCCCCCGGGG-3'
Protein context (NP_000170.1, residues 10-30): FFPKSPALSD[Ala20Thr]NKASARASRE